The following is an entry in ClinVar:

NM_000081.4(LYST):c.6790A>C (p.Ser2264Arg)

Gene: LYST (lysosomal trafficking regulator; minus strand). Cytogenetic location: 1q42.3.
Variant type: single nucleotide variant.
Coding change: c.6790A>C on transcript NM_000081.4 (MANE Select); coding-DNA position 6790, A replaced by C.
Protein change: p.Ser2264Arg; replaces serine 2264 with arginine.
Molecular consequence: missense variant.
Genome position (GRCh38, 1-based): chr1:235,759,063, T>G on the plus strand (A>C on the coding strand, the complement: LYST is on the minus strand). VCF-style: chr1-235759063-T-G. GRCh37 (hg19) VCF-style: chr1-235922363-T-G.
Other names: c.6790A>C, p.Ser2264Arg (NM_001301365.1); short protein forms S2264R.
Identifiers: ClinVar variation 1713868 (VCV001713868.3), dbSNP rs1398208052, ClinGen allele CA344939367.
Genomic context (GRCh38, chr1:235,759,063, plus strand): 5'-GCTCATAACCAAGAGAATAGGCAAAGTTTTCCCAATCATCAGTGTTTCTATCAACAAGAC[T>G]TGGCCAACGGCCAACAGCTGCAGATCCGTTCTGTGAAGGAAAAGCTAGCCCAAGGCTTGC-3'
Protein context (NP_000072.2, residues 2254-2274): NGSAAVGRWP[Ser2264Arg]LVDRNTDDWE

ClinVar aggregate classification (germline): Uncertain significance (1 of 4 stars; one submission).

Conditions:
Chédiak-Higashi syndrome (CHS). Also called: Chediak-Higashi Syndrome. Identifiers: Orphanet 167, MedGen C0007965, MONDO:0008963, OMIM 214500.

Submission:

Labcorp Genetics (formerly Invitae), Labcorp
Classification: Uncertain significance for Chédiak-Higashi syndrome. Last evaluated: 2022-07-26. Review status: criteria provided, single submitter. Criteria: Invitae Variant Classification Sherloc (09022015). Collection method: clinical testing. Allele origin: germline.
Comment: This sequence change replaces serine, which is neutral and polar, with arginine, which is basic and polar, at codon 2264 of the LYST protein (p.Ser2264Arg). This variant is not present in population databases (gnomAD no frequency). This variant has not been reported in the literature in individuals affected with LYST-related conditions. Algorithms developed to predict the effect of missense changes on protein structure and function are either unavailable or do not agree on the potential impact of this missense change (SIFT: "Deleterious"; PolyPhen-2: "Benign"; Align-GVGD: "Class C0"). In summary, the available evidence is currently insufficient to determine the role of this variant in disease. Therefore, it has been classified as a Variant of Uncertain Significance.